The following is an entry in ClinVar:

ClinVar aggregate classification (germline): Uncertain significance. Review status: criteria provided, multiple submitters, no conflicts (2 of 4 stars). 3 submissions from 3 submitters: Uncertain significance (3). Last evaluated 2025-08-11.

Conditions:
Inborn genetic diseases. Identifiers: MedGen C0950123, MeSH D030342.
Exostoses, multiple, type 2 (EXT2). Also called: Hereditary Multiple Osteochondromatosis, Type II; EXOSTOSES, MULTIPLE, TYPE II. Identifiers: Orphanet 321, MedGen C1851413, MONDO:0007586, OMIM 133701.

gnomAD v4.1: 40 of 1,614,142 alleles (0.0025%); highest among the groups gnomAD compares: South Asian, 0.0033%; no homozygotes.

Submissions (3):

Ambry Genetics
Classification: Uncertain significance for Inborn genetic diseases. Last evaluated: 2025-08-11. Review status: criteria provided, single submitter. Criteria: Ambry Variant Classification Scheme 2023. Collection method: clinical testing. Allele origin: germline.

Labcorp Genetics (formerly Invitae), Labcorp
Classification: Uncertain significance for Exostoses, multiple, type 2. Last evaluated: 2025-03-04. Review status: criteria provided, single submitter. Criteria: Invitae Variant Classification Sherloc (09022015). Collection method: clinical testing. Allele origin: germline.
Comment: This sequence change replaces arginine, which is basic and polar, with glutamine, which is neutral and polar, at codon 10 of the EXT2 protein (p.Arg10Gln). This variant is present in population databases (rs146906186, gnomAD 0.01%). This variant has not been reported in the literature in individuals affected with EXT2-related conditions. Invitae Evidence Modeling of protein sequence and biophysical properties (such as structural, functional, and spatial information, amino acid conservation, physicochemical variation, residue mobility, and thermodynamic stability) has been performed for this missense variant. However, the output from this modeling did not meet the statistical confidence thresholds required to predict the impact of this variant on EXT2 protein function. In summary, the available evidence is currently insufficient to determine the role of this variant in disease. Therefore, it has been classified as a Variant of Uncertain Significance.

St. Jude Molecular Pathology, St. Jude Children's Research Hospital
Classification: Uncertain significance for Exostoses, multiple, type 2. Last evaluated: 2024-10-22. Review status: criteria provided, single submitter. Criteria: St. Jude Assertion Criteria 2020. Collection method: clinical testing. Allele origin: germline.
Comment: The EXT2 c.128G>A (p.Arg43Gln) missense change has a maximum subpopulation frequency of 0.01% in gnomAD v2.1.1. The in silico tool REVEL is inconclusive about a pathogenic or benign effect of this variant on protein function, and to our knowledge functional studies have not been performed. To our knowledge, this variant has not been reported in individuals with hereditary multiple exostoses. In summary, the evidence currently available is insufficient to determine the clinical significance of this variant. It has therefore been classified as of uncertain significance.

NM_207122.2(EXT2):c.29G>A (p.Arg10Gln)

Gene: EXT2 (exostosin glycosyltransferase 2; plus strand). Cytogenetic location: 11p11.2.
Variant type: single nucleotide variant.
Coding change: c.29G>A on transcript NM_207122.2 (MANE Select); coding-DNA position 29, G replaced by A.
Protein change: p.Arg10Gln; replaces arginine 10 with glutamine.
Molecular consequence: missense variant.
Genome position (GRCh38, 1-based): chr11:44,107,741, G>A. VCF-style: chr11-44107741-G-A. GRCh37 (hg19) VCF-style: chr11-44129291-G-A.
Other names: c.128G>A, p.Arg43Gln (NM_000401.3); c.29G>A, p.Arg10Gln (NM_001178083.3, NM_001389628.1, NM_001389630.1); short protein forms R10Q, R43Q.
Identifiers: ClinVar variation 3602655 (VCV003602655.3).